The following is an entry in ClinVar:

NM_000059.4(BRCA2):c.8895T>A (p.Asp2965Glu)

Gene: BRCA2 (BRCA2 DNA repair associated; plus strand). Cytogenetic location: 13q13.1.
Variant type: single nucleotide variant.
Coding change: c.8895T>A on transcript NM_000059.4 (MANE Select); coding-DNA position 8895, T replaced by A.
Protein change: p.Asp2965Glu; replaces aspartic acid 2965 with glutamic acid.
Molecular consequence: missense variant.
Genome position (GRCh38, 1-based): chr13:32,379,457, T>A. VCF-style: chr13-32379457-T-A. GRCh37 (hg19) VCF-style: chr13-32953594-T-A.
Other names: short protein forms D2965E.
Identifiers: ClinVar variation 1044563 (VCV001044563.9), dbSNP rs944308365, ClinGen allele CA247493376.

ClinVar aggregate classification (germline): Uncertain significance (1 of 4 stars; one submission).

Conditions:
Hereditary breast ovarian cancer syndrome. Also called: Hereditary breast and/or ovarian cancer syndrome; Hereditary breast and ovarian cancer syndrome; Hereditary breast and ovarian cancer syndrome (HBOC); Breast and ovarian cancer; Hereditary breast and ovarian cancer; BRCA1- and BRCA2-Associated Hereditary Breast and Ovarian Cancer. Identifiers: Orphanet 145, MedGen C0677776, MeSH D061325, MONDO:0003582. Disease mechanism: loss of function.

Submission:

Labcorp Genetics (formerly Invitae), Labcorp
Classification: Uncertain significance for Hereditary breast ovarian cancer syndrome. Last evaluated: 2024-05-28. Review status: criteria provided, single submitter. Criteria: Invitae Variant Classification Sherloc (09022015). Collection method: clinical testing. Allele origin: germline.
Comment: This sequence change replaces aspartic acid, which is acidic and polar, with glutamic acid, which is acidic and polar, at codon 2965 of the BRCA2 protein (p.Asp2965Glu). This variant is not present in population databases (gnomAD no frequency). This variant has not been reported in the literature in individuals affected with BRCA2-related conditions. ClinVar contains an entry for this variant (Variation ID: 1044563). Advanced modeling of protein sequence and biophysical properties (such as structural, functional, and spatial information, amino acid conservation, physicochemical variation, residue mobility, and thermodynamic stability) performed at Invitae indicates that this missense variant is not expected to disrupt BRCA2 protein function with a negative predictive value of 95%. In summary, the available evidence is currently insufficient to determine the role of this variant in disease. Therefore, it has been classified as a Variant of Uncertain Significance.